The following is an entry in ClinVar:

NM_001927.4(DES):c.1236G>C (p.Glu412Asp)

Gene: DES (desmin; plus strand). Cytogenetic location: 2q35.
Variant type: single nucleotide variant.
Coding change: c.1236G>C on transcript NM_001927.4 (MANE Select); coding-DNA position 1236, G replaced by C.
Protein change: p.Glu412Asp; replaces glutamic acid 412 with aspartic acid.
Molecular consequence: missense variant.
Genome position (GRCh38, 1-based): chr2:219,421,552, G>C. VCF-style: chr2-219421552-G-C. GRCh37 (hg19) VCF-style: chr2-220286274-G-C.
Other names: c.1233G>C, p.Glu411Asp (NM_001382708.1); c.804G>C, p.Glu268Asp (NM_001382709.1); c.1167G>C, p.Glu389Asp (NM_001382710.1); c.1215G>C, p.Glu405Asp (NM_001382711.1); c.1236G>C, p.Glu412Asp (NM_001382712.1); c.966G>C, p.Glu322Asp (NM_001382713.1); short protein forms E268D, E322D, E389D, E405D, E411D, E412D.
Identifiers: ClinVar variation 5037769 (VCV005037769.1).

ClinVar aggregate classification (germline): VUS-mid (1 of 4 stars; one submission).

Conditions:
Dilated cardiomyopathy 1I (CMD1I). Identifiers: Orphanet 154, MedGen C1858154, MONDO:0011482, OMIM 604765.

Submission:

Center for Molecular Medicine, Children’s Hospital of Fudan University
Classification: VUS-mid for Dilated cardiomyopathy 1I. Last evaluated: 2025-12-12. Review status: criteria provided, single submitter. Criteria: ACMG Guidelines 2015. Collection method: clinical testing. Allele origin: maternal. Affected: yes.
Comment: PM2_PP+PM1